The following is an entry in ClinVar:

ClinVar aggregate classification (germline): Uncertain significance. Review status: criteria provided, multiple submitters, no conflicts (2 of 4 stars). 3 submissions from 3 submitters: Uncertain significance (3). Last evaluated 2025-11-02.

Conditions:
Hereditary cancer-predisposing syndrome. Also called: Tumor predisposition; Neoplastic Syndromes, Hereditary; Hereditary neoplastic syndrome; Hereditary Cancer Syndrome. Identifiers: Orphanet 140162, MedGen C0027672, MeSH D009386, MONDO:0015356.
Microcephaly, normal intelligence and immunodeficiency (NBS). Also called: Microcephaly with normal intelligence immunodeficiency and lymphoreticular malignancies; Nonsyndromal microcephaly autosomal recessive with normal intelligence; Seemanova syndrome 2; Immunodeficiency, microcephaly with normal intelligence; Ataxia telangiectasia variant V1; BERLIN BREAKAGE SYNDROME. Identifiers: Orphanet 647, MedGen C0398791, MONDO:0009623, OMIM 251260.

Allele frequency attached by ClinVar (database versions not stated): gnomAD exomes 0.00001.
gnomAD v4.1: 4 of 1,613,692 alleles (0.00025%); highest among the groups gnomAD compares: Non-Finnish European, 0.00034%; no homozygotes.

Submissions (3):

Ambry Genetics
Classification: Uncertain significance for Hereditary cancer-predisposing syndrome. Last evaluated: 2025-11-02. Review status: criteria provided, single submitter. Criteria: Ambry Variant Classification Scheme 2023. Collection method: clinical testing. Allele origin: germline.
Comment: The p.T331R variant (also known as c.992C>G), located in coding exon 8 of the NBN gene, results from a C to G substitution at nucleotide position 992. The threonine at codon 331 is replaced by arginine, an amino acid with similar properties. This amino acid position is not well conserved in available vertebrate species. In addition, this alteration is predicted to be tolerated by in silico analysis. Since supporting evidence is limited at this time, the clinical significance of this alteration remains unclear.

Labcorp Genetics (formerly Invitae), Labcorp
Classification: Uncertain significance for Microcephaly, normal intelligence and immunodeficiency. Last evaluated: 2023-04-24. Review status: criteria provided, single submitter. Criteria: Invitae Variant Classification Sherloc (09022015). Collection method: clinical testing. Allele origin: germline.
Comment: This variant is not present in population databases (gnomAD no frequency). This sequence change replaces threonine, which is neutral and polar, with arginine, which is basic and polar, at codon 331 of the NBN protein (p.Thr331Arg). This variant has not been reported in the literature in individuals affected with NBN-related conditions. ClinVar contains an entry for this variant (Variation ID: 143028). An algorithm developed to predict the effect of missense changes on protein structure and function (PolyPhen-2) suggests that this variant¬† is likely to be tolerated. In summary, the available evidence is currently insufficient to determine the role of this variant in disease. Therefore, it has been classified as a Variant of Uncertain Significance.

Genome-Nilou Lab
Classification: Uncertain significance for Microcephaly, normal intelligence and immunodeficiency. Last evaluated: 2021-11-07. Review status: criteria provided, single submitter. Criteria: ACMG Guidelines, 2015. Collection method: clinical testing. Allele origin: germline. Affected: no.

NM_002485.5(NBN):c.992C>G (p.Thr331Arg)

Gene: NBN (nibrin; minus strand). Cytogenetic location: 8q21.3.
Variant type: single nucleotide variant.
Coding change: c.992C>G on transcript NM_002485.5 (MANE Select); coding-DNA position 992, C replaced by G.
Protein change: p.Thr331Arg; replaces threonine 331 with arginine.
Molecular consequence: missense variant.
Genome position (GRCh38, 1-based): chr8:89,964,412, G>C on the plus strand (C>G on the coding strand, the complement: NBN is on the minus strand). VCF-style: chr8-89964412-G-C. GRCh37 (hg19) VCF-style: chr8-90976640-G-C.
Other names: c.746C>G, p.Thr249Arg (NM_001024688.3); short protein forms T331R, T249R.
Identifiers: ClinVar variation 143028 (VCV000143028.16), dbSNP rs587782905, ClinGen allele CA170056.
Genomic context (GRCh38, chr8:89,964,412, plus strand): 5'-GCTTATCGATTTACATAATAAAGTTGCTAACGAATCAATAAAATAATGCTTCAATTACCT[G>C]TACTGGGATGGCCCTGAGGATCACAGTAATTCTTTGTAGTCATGAAAATCACCGCCAATC-3'
Protein context (NP_002476.2, residues 321-341): NYCDPQGHPS[Thr331Arg]GLKTTTPGPS